The following is an entry in ClinVar:

ClinVar aggregate classification (germline): Pathogenic. Review status: reviewed by expert panel (3 of 4 stars). 2 submissions from 2 submitters: Pathogenic (1). 1 of the submissions does not count toward it. Last evaluated 2023-10-15.

Conditions:
Phenylketonuria (PKU). Also called: Phenylketonuria (PKU); FOLLING DISEASE; OLIGOPHRENIA PHENYLPYRUVICA; Phenylketonurias. Identifiers: Orphanet 716, MedGen C0031485, MONDO:0009861, OMIM 261600. Disease mechanism: loss of function.

Submissions (2):

ClinGen PAH Variant Curation Expert Panel
Classification: Pathogenic for Phenylketonuria. Last evaluated: 2023-10-15. Review status: reviewed by expert panel. Criteria: ClinGen PAH ACMG Specifications v1. Collection method: curation. Allele origin: germline. Inheritance: Autosomal recessive inheritance.
Comment: The NM_000277.3(PAH):c.231T>G (p.Tyr77Ter) is a nonsense variant in exon 3/13 of PAH, and is predicted to result in PTC with removal of >10% of the protein and NMD (PVS1). The variant is absent from population databases including gnomAD, ExAC, and ESP, and is present at an extremely low allele frequency (MAF < 0.0002) in the 1000 Genomes (PM2_supporting). The variant has been previously reported in a patient with PKU (plasma Phe level not specified) and BH4 deficiency excluded (PMID: 9860305; PMID: 21307867) (PP4_Moderate); the patient’s genotype was not specified. It has also been noted (PMID: 28982351) in a patient with mild PKU (plasma Phe 720 uM) and BH4 deficiency excluded (PP4_Moderate), who harbored it in trans with the p.Asp101Asn (Likely Pathogenic in ClinVar, ID 553851) and p.Gly247Arg (Likely Pathogenic in ClinVar, ID 102816) alleles (PM3). In summary, this variant meets criteria to be classified as for PAH. PAH-specific ACMG/AMP criteria applied: PVS1, PM2_supporting, PM3, PP4_Moderate.

DeBelle Laboratory for Biochemical Genetics, MUHC/MCH RESEARCH INSTITUTE
No classification provided. Review status: no classification provided. Collection method: not provided. Allele origin: not provided. Not counted in ClinVar's aggregate classification.

NM_000277.3(PAH):c.231T>G (p.Tyr77Ter)

Gene: PAH (phenylalanine hydroxylase; minus strand). Cytogenetic location: 12q23.2.
Variant type: single nucleotide variant.
Coding change: c.231T>G on transcript NM_000277.3 (MANE Select); coding-DNA position 231, T replaced by G.
Protein change: p.Tyr77Ter; replaces tyrosine 77 with a stop codon.
Molecular consequence: nonsense.
Genome position (GRCh38, 1-based): chr12:102,894,856, A>C on the plus strand (T>G on the coding strand, the complement: PAH is on the minus strand). VCF-style: chr12-102894856-A-C. GRCh37 (hg19) VCF-style: chr12-103288634-A-C.
Other names: NM_000277.3(PAH):c.231T>G; p.Tyr77Ter; c.231T>G, p.Tyr77Ter (NM_001354304.2); short protein forms Y77*.
Identifiers: ClinVar variation 102635 (VCV000102635.1), dbSNP rs62507332, ClinGen allele CA229493.